The following is an entry in ClinVar:

ClinVar aggregate classification (germline): Pathogenic. Review status: criteria provided, multiple submitters, no conflicts (2 of 4 stars). 3 submissions from 3 submitters: Pathogenic (3). Last evaluated 2024-12-20.

Conditions:
USH2A-related disorder. Also called: USH2A-related disorders; USH2A-related condition. Identifiers: MedGen CN239332.
Usher syndrome type 2A. Also called: RETINAL DISEASE IN USHER SYNDROME TYPE IIA, MODIFIER OF; USHER SYNDROME, TYPE IIA. Identifiers: Orphanet 231178, Orphanet 886, MedGen C1848634, MONDO:0010169, OMIM 276901.

Submissions (3):

Natera, Inc.
Classification: Pathogenic for Usher syndrome type 2A. Last evaluated: 2024-12-20. Review status: criteria provided, single submitter. Criteria: Natera Variant Classification Schema (03/2026). Collection method: clinical testing. Allele origin: germline.
Comment: The c.12987T>G variant in USH2A is a nonsense variant predicted to introduce a stop codon at amino acid 4329. This variant is expected to result in nonsense mediated decay, truncation, or a dysfunctional protein product. This variant is rare in the general population with a frequency below the threshold expected for the associated phenotype(s). This variant has been observed in one or more individuals affected with the associated recessive disease, as either homozygous or compound heterozygous with a second variant (PMID: 27460420). Given the available evidence, this variant is classified as Pathogenic.

Myriad Genetics, Inc.
Classification: Pathogenic for USH2A-related disorder. Last evaluated: 2024-07-14. Review status: criteria provided, single submitter. Criteria: Myriad Autosomal Dominant, Autosomal Recessive and X-Linked Classification Criteria (2023). Collection method: clinical testing. Allele origin: unknown.
Comment: NM_206933.2(USH2A):c.12987T>G(Y4329*) is expected to be pathogenic in the context of USH2A-related disorders. This variant is predicted to lead to an abnormal or absent protein product due to the creation of a premature termination codon in USH2A, a gene where loss-of-function variants are known to be pathogenic. Please note: this variant was assessed in the context of healthy population screening.

Labcorp Genetics (formerly Invitae), Labcorp
Classification: Pathogenic. Last evaluated: 2022-04-08. Review status: criteria provided, single submitter. Criteria: Invitae Variant Classification Sherloc (09022015). Collection method: clinical testing. Allele origin: germline.
Comment: Algorithms developed to predict the effect of sequence changes on RNA splicing suggest that this variant may disrupt the consensus splice site. For these reasons, this variant has been classified as Pathogenic. This premature translational stop signal has been observed in individual(s) with Usher syndrome (PMID: 27460420). This sequence change creates a premature translational stop signal (p.Tyr4329*) in the USH2A gene. It is expected to result in an absent or disrupted protein product. Loss-of-function variants in USH2A are known to be pathogenic (PMID: 10729113, 10909849, 20507924, 25649381). This variant is not present in population databases (gnomAD no frequency).

Literature cited by the submitters: PubMed 27460420 (cited by Natera, Inc. and Labcorp Genetics (formerly Invitae), Labcorp); PubMed 10729113 (cited by Labcorp Genetics (formerly Invitae), Labcorp); PubMed 10909849 (cited by Labcorp Genetics (formerly Invitae), Labcorp); PubMed 20507924 (cited by Labcorp Genetics (formerly Invitae), Labcorp); PubMed 25649381 (cited by Labcorp Genetics (formerly Invitae), Labcorp).

NM_206933.4(USH2A):c.12987T>G (p.Tyr4329Ter)

Gene: USH2A (usherin; minus strand). Cytogenetic location: 1q41.
Variant type: single nucleotide variant.
Coding change: c.12987T>G on transcript NM_206933.4 (MANE Select); coding-DNA position 12987, T replaced by G.
Protein change: p.Tyr4329Ter; replaces tyrosine 4329 with a stop codon.
Molecular consequence: nonsense.
Genome position (GRCh38, 1-based): chr1:215,674,924, A>C on the plus strand (T>G on the coding strand, the complement: USH2A is on the minus strand). VCF-style: chr1-215674924-A-C. GRCh37 (hg19) VCF-style: chr1-215848266-A-C.
Other names: c.12987T>G (NM_206933.2); short protein forms Y4329*.
Identifiers: ClinVar variation 1452893 (VCV001452893.10), dbSNP rs1203365063, ClinGen allele CA344847939.